The following is an entry in ClinVar:

ClinVar aggregate classification (germline): Uncertain significance (1 of 4 stars; one submission).

Conditions:
Hereditary breast ovarian cancer syndrome. Also called: Hereditary breast and ovarian cancer syndrome (HBOC); Hereditary breast and ovarian cancer syndrome; Breast and ovarian cancer; Hereditary breast and/or ovarian cancer syndrome; Hereditary breast and ovarian cancer; BRCA1- and BRCA2-Associated Hereditary Breast and Ovarian Cancer. Identifiers: Orphanet 145, MedGen C0677776, MeSH D061325, MONDO:0003582. Disease mechanism: loss of function.

Submission:

Labcorp Genetics (formerly Invitae), Labcorp
Classification: Uncertain significance for Hereditary breast ovarian cancer syndrome. Last evaluated: 2017-04-03. Review status: criteria provided, single submitter. Criteria: Invitae Variant Classification Sherloc (09022015). Collection method: clinical testing. Allele origin: germline.
Comment: In summary, this variant is a novel missense change with uncertain impact on protein function. It has been classified as a Variant of Uncertain Significance. Algorithms developed to predict the effect of missense changes on protein structure and function do not agree on the potential impact of this missense change (SIFT: "Tolerated"; PolyPhen-2: "Possibly Damaging"; Align-GVGD: "Class C0"). This variant is not present in population databases (ExAC no frequency) and has not been reported in the literature in individuals with a BRCA2-related disease. This sequence change replaces asparagine with lysine at codon 2699 of the BRCA2 protein (p.Asn2699Lys). The asparagine residue is weakly conserved and there is a moderate physicochemical difference between asparagine and lysine.

NM_000059.4(BRCA2):c.8097T>G (p.Asn2699Lys)

Gene: BRCA2 (BRCA2 DNA repair associated; plus strand). Cytogenetic location: 13q13.1.
Variant type: single nucleotide variant.
Coding change: c.8097T>G on transcript NM_000059.4 (MANE Select); coding-DNA position 8097, T replaced by G.
Protein change: p.Asn2699Lys; replaces asparagine 2699 with lysine.
Molecular consequence: missense variant.
Genome position (GRCh38, 1-based): chr13:32,363,299, T>G. VCF-style: chr13-32363299-T-G. GRCh37 (hg19) VCF-style: chr13-32937436-T-G.
Other names: short protein forms N2699K.
Identifiers: ClinVar variation 462467 (VCV000462467.9), dbSNP rs1057520460, ClinGen allele CA387749297.